The following is an entry in ClinVar:

NM_005866.4(SIGMAR1):c.623G>A (p.Arg208Gln)

Gene: SIGMAR1 (sigma receptor chaperone 1; minus strand). Cytogenetic location: 9p13.3.
Variant type: single nucleotide variant.
Coding change: c.623G>A on transcript NM_005866.4 (MANE Select); coding-DNA position 623, G replaced by A.
Protein change: p.Arg208Gln; replaces arginine 208 with glutamine.
Molecular consequence: missense variant. On other transcripts: 3 prime UTR variant (2), non-coding transcript variant (1), intron variant (1).
Genome position (GRCh38, 1-based): chr9:34,635,681, C>T on the plus strand (G>A on the coding strand, the complement: SIGMAR1 is on the minus strand). VCF-style: chr9-34635681-C-T. GRCh37 (hg19) VCF-style: chr9-34635678-C-T.
Other names: c.323G>A, p.Arg108Gln (NM_001282206.2); c.563G>A, p.Arg188Gln (NM_001282207.2); c.*166G>A (NM_001282208.2); c.*150G>A (NM_001282209.2); c.530G>A, p.Arg177Gln (NM_147157.3); c.446-41G>A (NM_001282205.2); short protein forms R208Q, R177Q, R188Q, R108Q.
Identifiers: ClinVar variation 569077 (VCV000569077.9), dbSNP rs541996857, ClinGen allele CA5035822.

ClinVar aggregate classification (germline): Uncertain significance (1 of 4 stars; one submission).

Conditions:
Autosomal recessive distal spinal muscular atrophy 2. Also called: NEURONOPATHY, DISTAL HEREDITARY MOTOR, JERASH TYPE; NEUROPATHY, DISTAL HEREDITARY MOTOR, JERASH TYPE; SPINAL MUSCULAR ATROPHY, JERASH TYPE; NEUROPATHY, DISTAL HEREDITARY MOTOR, AUTOSOMAL RECESSIVE 2; Hereditary motor neuropathy, Jerash type; Motor neuropathy, distal, Jerash type. Identifiers: Orphanet 139552, MedGen C1854023, MONDO:0011585, OMIM 605726.
Amyotrophic lateral sclerosis type 16. Also called: AMYOTROPHIC LATERAL SCLEROSIS 16, JUVENILE. Identifiers: Orphanet 300605, MedGen C3280587, MONDO:0013715, OMIM 614373.

Allele frequency attached by ClinVar (database versions not stated): gnomAD exomes below 0.00001; 1000 Genomes Project 0.00020; TOPMed 0.00004; gnomAD 0.00001; ExAC 0.00001; 1000 Genomes Project 30x 0.00016.

Submission:

Labcorp Genetics (formerly Invitae), Labcorp
Classification: Uncertain significance for Autosomal recessive distal spinal muscular atrophy 2; Amyotrophic lateral sclerosis type 16. Last evaluated: 2024-01-02. Review status: criteria provided, single submitter. Criteria: Invitae Variant Classification Sherloc (09022015). Collection method: clinical testing. Allele origin: germline.
Comment: This sequence change replaces arginine, which is basic and polar, with glutamine, which is neutral and polar, at codon 208 of the SIGMAR1 protein (p.Arg208Gln). The frequency data for this variant in the population databases is considered unreliable, as metrics indicate poor data quality at this position in the gnomAD database. This variant has not been reported in the literature in individuals affected with SIGMAR1-related conditions. ClinVar contains an entry for this variant (Variation ID: 569077). An algorithm developed to predict the effect of missense changes on protein structure and function (PolyPhen-2) suggests that this variant is likely to be disruptive. In summary, the available evidence is currently insufficient to determine the role of this variant in disease. Therefore, it has been classified as a Variant of Uncertain Significance.